The following is an entry in ClinVar:

ClinVar aggregate classification (germline): Uncertain significance (1 of 4 stars; one submission).

gnomAD v4.1: 1 of 1,613,900 alleles (0.000062%); highest among the groups gnomAD compares: South Asian, 0.0011%; no homozygotes.

Submission:

Labcorp Genetics (formerly Invitae), Labcorp
Classification: Uncertain significance. Last evaluated: 2025-10-21. Review status: criteria provided, single submitter. Criteria: Invitae Variant Classification Sherloc (09022015). Collection method: clinical testing. Allele origin: germline.
Comment: This sequence change replaces glycine, which is neutral and non-polar, with tryptophan, which is neutral and slightly polar, at codon 534 of the BACH2 protein (p.Gly534Trp). This variant is not present in population databases (gnomAD no frequency). This variant has not been reported in the literature in individuals affected with BACH2-related conditions. Invitae Evidence Modeling of protein sequence and biophysical properties (such as structural, functional, and spatial information, amino acid conservation, physicochemical variation, residue mobility, and thermodynamic stability) has been performed for this missense variant. However, the output from this modeling did not meet the statistical confidence thresholds required to predict the impact of this variant on BACH2 protein function. In summary, the available evidence is currently insufficient to determine the role of this variant in disease. Therefore, it has been classified as a Variant of Uncertain Significance.

NM_021813.4(BACH2):c.1600G>T (p.Gly534Trp)

Gene: BACH2 (BACH transcriptional regulator 2; minus strand). Cytogenetic location: 6q15.
Variant type: single nucleotide variant.
Coding change: c.1600G>T on transcript NM_021813.4 (MANE Select); coding-DNA position 1600, G replaced by T.
Protein change: p.Gly534Trp; replaces glycine 534 with tryptophan.
Molecular consequence: missense variant.
Genome position (GRCh38, 1-based): chr6:89,950,506, C>A on the plus strand (G>T on the coding strand, the complement: BACH2 is on the minus strand). VCF-style: chr6-89950506-C-A. GRCh37 (hg19) VCF-style: chr6-90660225-C-A.
Other names: c.1600G>T, p.Gly534Trp (NM_001170794.2); short protein forms G534W.
Identifiers: ClinVar variation 4742649 (VCV004742649.1).
Genomic context (GRCh38, chr6:89,950,506, plus strand): 5'-CTCCCTGGGAACAGGGCGAGGAGGAGAACTCACAGAGAGGGAGGCTGCAGGGTGAGCCCC[C>A]GCTCCCGTCCTCCGCGTAGGAATAGGAAGAGCAGGAGCTGGAAGTCCTGGTCCTGGTCTC-3'
Protein context (NP_068585.1, residues 524-544): SSYSYAEDGS[Gly534Trp]GSPCSLPLCE